The following is an entry in ClinVar:

ClinVar aggregate classification (germline): Uncertain significance (1 of 4 stars; one submission).

Allele frequency attached by ClinVar (database versions not stated): gnomAD exomes 0.00001; ExAC 0.00002.
gnomAD v4.1: 8 of 1,613,226 alleles (0.0005%); highest among the groups gnomAD compares: Non-Finnish European, 0.00059%; no homozygotes.

Submission:

Labcorp Genetics (formerly Invitae), Labcorp
Classification: Uncertain significance. Last evaluated: 2021-04-21. Review status: criteria provided, single submitter. Criteria: Invitae Variant Classification Sherloc (09022015). Collection method: clinical testing. Allele origin: germline.
Comment: In summary, the available evidence is currently insufficient to determine the role of this variant in disease. Therefore, it has been classified as a Variant of Uncertain Significance. Algorithms developed to predict the effect of missense changes on protein structure and function output the following: SIFT: "Tolerated"; PolyPhen-2: "Benign"; Align-GVGD: "Class C0". The leucine amino acid residue is found in multiple mammalian species, suggesting that this missense change does not adversely affect protein function. These predictions have not been confirmed by published functional studies and their clinical significance is uncertain. This variant has not been reported in the literature in individuals with MYLK3-related conditions. This variant is present in population databases (rs756659689, ExAC 0.003%). This sequence change replaces proline with leucine at codon 157 of the MYLK3 protein (p.Pro157Leu). The proline residue is moderately conserved and there is a moderate physicochemical difference between proline and leucine.

NM_182493.3(MYLK3):c.470C>T (p.Pro157Leu)

Gene: MYLK3 (myosin light chain kinase 3; minus strand). Cytogenetic location: 16q11.2.
Variant type: single nucleotide variant.
Coding change: c.470C>T on transcript NM_182493.3 (MANE Select); coding-DNA position 470, C replaced by T.
Protein change: p.Pro157Leu; replaces proline 157 with leucine.
Molecular consequence: missense variant. On other transcripts: intron variant (1).
Genome position (GRCh38, 1-based): chr16:46,747,724, G>A on the plus strand (C>T on the coding strand, the complement: MYLK3 is on the minus strand). VCF-style: chr16-46747724-G-A. GRCh37 (hg19) VCF-style: chr16-46781636-G-A.
Other names: c.-113-7577C>T (NM_001308301.1); short protein forms P157L.
Identifiers: ClinVar variation 1484404 (VCV001484404.8), dbSNP rs756659689, ClinGen allele CA8038250.